The following is an entry in ClinVar:

NM_001385001.1(MCTP2):c.453A>G (p.Pro151=)

Gene: MCTP2 (multiple C2 and transmembrane domain containing 2; plus strand). Cytogenetic location: 15q26.2.
Variant type: single nucleotide variant.
Coding change: c.453A>G on transcript NM_001385001.1 (MANE Select); coding-DNA position 453, A replaced by G.
Protein change: p.Pro151=; no amino-acid change (proline 151 retained).
Molecular consequence: synonymous variant. On other transcripts: missense variant (2), non-coding transcript variant (7), intron variant (2).
Genome position (GRCh38, 1-based): chr15:94,298,718, A>G. VCF-style: chr15-94298718-A-G. GRCh37 (hg19) VCF-style: chr15-94841947-A-G.
Other names: c.453A>G, p.Pro151= (NM_001159643.2, NM_001385002.1, NM_001385003.1 and 5 more transcripts); c.113A>G, p.Gln38Arg (NM_001385007.1, NM_001385011.1); c.-33-15564A>G (NM_001385009.1, NM_001385010.1); short protein forms Q38R.
Identifiers: ClinVar variation 743017 (VCV000743017.5), dbSNP rs201415726, ClinGen allele CA7749497.

ClinVar aggregate classification (germline): Benign. Review status: criteria provided, single submitter (1 of 4 stars). 2 submissions from 2 submitters: Benign (1). 1 of the submissions does not count toward it. Last evaluated 2018-04-12.

Conditions:
MCTP2-related disorder. Also called: MCTP2-related condition.

Allele frequency attached by ClinVar (database versions not stated): gnomAD 0.00001 and 0.00011; TOPMed 0.00002; gnomAD exomes 0.00023 and 0.00045; ExAC 0.00051; 1000 Genomes Project 0.00080; 1000 Genomes Project 30x 0.00109.
gnomAD v4.1: 353 of 1,604,588 alleles (0.022%); highest among the groups gnomAD compares: South Asian, 0.36%; 7 homozygotes.

Submissions (2):

Labcorp Genetics (formerly Invitae), Labcorp
Classification: Benign. Last evaluated: 2018-04-12. Review status: criteria provided, single submitter. Criteria: Invitae Variant Classification Sherloc (09022015). Collection method: clinical testing. Allele origin: germline.

PreventionGenetics, part of Exact Sciences
Classification: Likely benign for MCTP2-related condition. Last evaluated: 2019-05-08. Review status: no assertion criteria provided. Collection method: clinical testing. Allele origin: germline. Not counted in ClinVar's aggregate classification.
Comment: This variant is classified as likely benign based on ACMG/AMP sequence variant interpretation guidelines (Richards et al. 2015 PMID: 25741868, with internal and published modifications).